The following is an entry in ClinVar:

ClinVar aggregate classification (germline): Uncertain significance (1 of 4 stars; one submission).

Conditions:
Inborn genetic diseases. Identifiers: MedGen C0950123, MeSH D030342.

gnomAD v4.1: 1 of 1,609,302 alleles (0.000062%); highest among the groups gnomAD compares: Middle Eastern, 0.017%; no homozygotes.

Submission:

Ambry Genetics
Classification: Uncertain significance for Inborn genetic diseases. Last evaluated: 2025-04-17. Review status: criteria provided, single submitter. Criteria: Ambry Variant Classification Scheme 2023. Collection method: clinical testing. Allele origin: germline.
Comment: The p.P18L variant (also known as c.53C>T), located in coding exon 1 of the MBD4 gene, results from a C to T substitution at nucleotide position 53. The proline at codon 18 is replaced by leucine, an amino acid with similar properties. This amino acid position is conserved. In addition, this alteration is predicted to be tolerated by in silico analysis. Based on the available evidence, the clinical significance of this variant remains unclear.

NM_001276270.2(MBD4):c.53C>T (p.Pro18Leu)

Genes: MBD4 (methyl-CpG binding domain 4, DNA glycosylase; minus strand), LOC129937550 (ATAC-STARR-seq lymphoblastoid active region 20512; plus strand). Cytogenetic location: 3q21.3.
Variant type: single nucleotide variant.
Coding change: c.53C>T on transcript NM_001276270.2 (MANE Select); coding-DNA position 53, C replaced by T.
Protein change: p.Pro18Leu; replaces proline 18 with leucine.
Molecular consequence: missense variant.
Genome position (GRCh38, 1-based): chr3:129,439,781, G>A on the plus strand (C>T on the coding strand, the complement: MBD4 is on the minus strand). VCF-style: chr3-129439781-G-A. GRCh37 (hg19) VCF-style: chr3-129158624-G-A.
Other names: c.53C>T, p.Pro18Leu (NM_001276271.2, NM_001276272.2, NM_001276273.2 and 1 more transcripts); short protein forms P18L.
Identifiers: ClinVar variation 4052207 (VCV004052207.1).